The following is an entry in ClinVar:

NM_145649.5(GCNT2):c.196A>G (p.Lys66Glu)

Gene: GCNT2 (glucosaminyl (N-acetyl) transferase 2 (I blood group); plus strand). Cytogenetic location: 6p24.3.
Variant type: single nucleotide variant.
Coding change: c.196A>G on transcript NM_145649.5 (MANE Select); coding-DNA position 196, A replaced by G.
Protein change: p.Lys66Glu; replaces lysine 66 with glutamic acid.
Molecular consequence: missense variant.
Genome position (GRCh38, 1-based): chr6:10,529,107, A>G. VCF-style: chr6-10529107-A-G. GRCh37 (hg19) VCF-style: chr6-10529340-A-G.
Other names: c.196A>G, p.Lys66Glu (NM_001374747.1); short protein forms K66E.
Identifiers: ClinVar variation 4985088 (VCV004985088.1).

ClinVar aggregate classification (germline): Likely benign (1 of 4 stars; one submission).

Conditions:
GCNT2-related disorder. Also called: GCNT2-related condition.

gnomAD v4.1: 162 of 1,614,118 alleles (0.01%); highest among the groups gnomAD compares: Admixed American, 0.18%; 1 homozygote.

Submission:

PreventionGenetics, part of Exact Sciences
Classification: Likely benign for GCNT2-related condition. Last evaluated: 2025-05-22. Review status: criteria provided, single submitter. Criteria: ACMG Guidelines, 2015. Collection method: clinical testing. Allele origin: germline.
Comment: This variant is classified as likely benign based on ACMG/AMP sequence variant interpretation guidelines (Richards et al. 2015 PMID: 25741868, with internal and published modifications).